The following is an entry in ClinVar:

ClinVar aggregate classification (germline): Uncertain significance (1 of 4 stars; one submission).

Allele frequency attached by ClinVar (database versions not stated): gnomAD 0.00001; gnomAD exomes 0.00001; ExAC 0.00002; TOPMed 0.00002.
gnomAD v4.1: 17 of 1,613,840 alleles (0.0011%); highest among the groups gnomAD compares: Admixed American, 0.0017%; no homozygotes.

Submission:

GeneDx
Classification: Uncertain significance. Last evaluated: 2024-04-26. Review status: criteria provided, single submitter. Criteria: GeneDx Variant Classification Process June 2021. Collection method: clinical testing. Allele origin: germline. Affected: yes.
Comment: Not observed at significant frequency in large population cohorts (gnomAD); In silico analysis indicates that this missense variant does not alter protein structure/function; Has not been previously published as pathogenic or benign to our knowledge

NM_001039141.3(TRIOBP):c.1064G>C (p.Arg355Thr)

Gene: TRIOBP (TRIO and F-actin binding protein; plus strand). Cytogenetic location: 22q13.1.
Variant type: single nucleotide variant.
Coding change: c.1064G>C on transcript NM_001039141.3 (MANE Select); coding-DNA position 1064, G replaced by C.
Protein change: p.Arg355Thr; replaces arginine 355 with threonine.
Molecular consequence: missense variant.
Genome position (GRCh38, 1-based): chr22:37,723,620, G>C. VCF-style: chr22-37723620-G-C. GRCh37 (hg19) VCF-style: chr22-38119627-G-C.
Other names: short protein forms R355T.
Identifiers: ClinVar variation 3252444 (VCV003252444.1), dbSNP rs748576446.
Genomic context (GRCh38, chr22:37,723,620, plus strand): 5'-CACAGTGGAACACCCCCAGAGCTTCCTCTCCCTCACGAAGCACCCAACTGGATAACCCCA[G>C]AACCTCTTCTACCCAGCAGGACAACCCCCAAACTTCTTTTCCTACTTGTACTCCCCAGCG-3'
Protein context (NP_001034230.1, residues 345-365): PSRSTQLDNP[Arg355Thr]TSSTQQDNPQ